The following is an entry in ClinVar:

NM_001375524.1(TRRAP):c.1082T>C (p.Ile361Thr)

Gene: TRRAP (transformation/transcription domain associated protein; plus strand). Cytogenetic location: 7q22.1.
Variant type: single nucleotide variant.
Coding change: c.1082T>C on transcript NM_001375524.1 (MANE Select); coding-DNA position 1082, T replaced by C.
Protein change: p.Ile361Thr; replaces isoleucine 361 with threonine.
Molecular consequence: missense variant.
Genome position (GRCh38, 1-based): chr7:98,906,222, T>C. VCF-style: chr7-98906222-T-C. GRCh37 (hg19) VCF-style: chr7-98503845-T-C.
Other names: c.1082T>C, p.Ile361Thr (NM_001244580.2, NM_003496.4); short protein forms I361T.
Identifiers: ClinVar variation 1310947 (VCV001310947.2), dbSNP rs904300459, ClinGen allele CA163059319.

ClinVar aggregate classification (germline): Uncertain significance (1 of 4 stars; one submission).

Submission:

GeneDx
Classification: Uncertain significance. Last evaluated: 2019-12-05. Review status: criteria provided, single submitter. Criteria: GeneDx Variant Classification Process June 2021. Collection method: clinical testing. Allele origin: germline. Affected: yes.
Comment: Not observed in large population cohorts (Lek et al., 2016); In silico analysis, which includes protein predictors and evolutionary conservation, supports a deleterious effect; Has not been previously published as pathogenic or benign to our knowledge